The following is an entry in ClinVar:

ClinVar aggregate classification (germline): Uncertain significance (1 of 4 stars; one submission).

Allele frequency attached by ClinVar (database versions not stated): gnomAD exomes below 0.00001.
gnomAD v4.1: 1 of 462,808 alleles (0.00022%); highest among the groups gnomAD compares: Non-Finnish European, 0.00033%; no homozygotes.

Submission:

Women's Health and Genetics/Laboratory Corporation of America, LabCorp
Classification: Uncertain significance. Last evaluated: 2023-06-09. Review status: criteria provided, single submitter. Criteria: LabCorp Variant Classification Summary - May 2015. Collection method: clinical testing. Allele origin: germline.
Comment: Variant summary: MYPN c.3493+16G>C alters a non-conserved nucleotide located close to a canonical splice site and therefore could affect mRNA splicing, leading to a significantly altered protein sequence. 4/4 computational tools predict no significant impact on normal splicing. However, these predictions have yet to be confirmed by functional studies. The variant was absent in 249608 control chromosomes (gnomAD). The available data on variant occurrences in the general population are insufficient to allow any conclusion about variant significance. To our knowledge, no occurrence of c.3493+16G>C in individuals affected with Cardiomyopathy and no experimental evidence demonstrating its impact on protein function have been reported. No clinical diagnostic laboratories have submitted clinical-significance assessments for this variant to ClinVar after 2014. Based on the evidence outlined above, the variant was classified as uncertain significance.

NM_032578.4(MYPN):c.3493+16G>C

Gene: MYPN (myopalladin; plus strand). Cytogenetic location: 10q21.3.
Variant type: single nucleotide variant.
Coding change: c.3493+16G>C on transcript NM_032578.4 (MANE Select); 16 bases into the intron after coding-DNA position 3493, G replaced by C.
Molecular consequence: intron variant.
Genome position (GRCh38, 1-based): chr10:68,199,591, G>C. VCF-style: chr10-68199591-G-C. GRCh37 (hg19) VCF-style: chr10-69959348-G-C.
Other names: c.3493+16G>C (NM_001256267.2); c.2611+16G>C (NM_001256268.2).
Identifiers: ClinVar variation 2573629 (VCV002573629.1), dbSNP rs2134301060, ClinGen allele CA2580615496.
Genomic context (GRCh38, chr10:68,199,591, plus strand): 5'-ACAAAACCGGGCAGAATTCTTTTAGTCTGGAGCTCTCTGTAGTAGGTAAGGTTTGCTGCT[G>C]GGACCCCTAAACACAACTTCCTCCAAAGTCATTACCCAAAGAGGCAGAGCCTCTGCCAGA-3'